The following is an entry in ClinVar:

NM_015726.4(DCAF8):c.437C>T (p.Ala146Val)

Gene: DCAF8 (DDB1 and CUL4 associated factor 8; minus strand). Cytogenetic location: 1q23.2.
Variant type: single nucleotide variant.
Coding change: c.437C>T on transcript NM_015726.4 (MANE Select); coding-DNA position 437, C replaced by T.
Protein change: p.Ala146Val; replaces alanine 146 with valine.
Molecular consequence: missense variant. On other transcripts: non-coding transcript variant (4).
Genome position (GRCh38, 1-based): chr1:160,239,983, G>A on the plus strand (C>T on the coding strand, the complement: DCAF8 is on the minus strand). VCF-style: chr1-160239983-G-A. GRCh37 (hg19) VCF-style: chr1-160209773-G-A.
Other names: short protein forms A146V.
Identifiers: ClinVar variation 1711231 (VCV001711231.30), dbSNP rs2525192257, ClinGen allele CA343231675.

ClinVar aggregate classification (germline): Uncertain significance (1 of 4 stars; one submission).

Allele frequency attached by ClinVar (database versions not stated): gnomAD exomes below 0.00001.
gnomAD v4.1: 4 of 1,614,246 alleles (0.00025%); highest among the groups gnomAD compares: Non-Finnish European, 0.00034%; no homozygotes.

Submission:

CeGaT Center for Human Genetics Tuebingen
Classification: Uncertain significance. Last evaluated: 2022-08-01. Review status: criteria provided, single submitter. Criteria: CeGaT Center For Human Genetics Tuebingen Variant Classification Criteria Version 2. Collection method: clinical testing. Allele origin: germline. Affected: yes. Observed: 1 variant allele.
Comment: DCAF8: PM2, PP2, BP4